The following is an entry in ClinVar:

ClinVar aggregate classification (germline): Pathogenic (1 of 4 stars; one submission).

Submission:

Labcorp Genetics (formerly Invitae), Labcorp
Classification: Pathogenic. Last evaluated: 2024-08-08. Review status: criteria provided, single submitter. Criteria: Invitae Variant Classification Sherloc (09022015). Collection method: clinical testing. Allele origin: germline.
Comment: This sequence change creates a premature translational stop signal (p.Gln1265*) in the COL2A1 gene. It is expected to result in an absent or disrupted protein product. Loss-of-function variants in COL2A1 are known to be pathogenic (PMID: 20179744). This variant is not present in population databases (gnomAD no frequency). This variant has not been reported in the literature in individuals affected with COL2A1-related conditions. ClinVar contains an entry for this variant (Variation ID: 1356483). For these reasons, this variant has been classified as Pathogenic.

Literature cited by the submitters: PubMed 20179744.

NM_001844.5(COL2A1):c.3793C>T (p.Gln1265Ter)

Gene: COL2A1 (collagen type II alpha 1 chain; minus strand). Cytogenetic location: 12q13.11.
Variant type: single nucleotide variant.
Coding change: c.3793C>T on transcript NM_001844.5 (MANE Select); coding-DNA position 3793, C replaced by T.
Protein change: p.Gln1265Ter; replaces glutamine 1265 with a stop codon.
Molecular consequence: nonsense.
Genome position (GRCh38, 1-based): chr12:47,975,410, G>A on the plus strand (C>T on the coding strand, the complement: COL2A1 is on the minus strand). VCF-style: chr12-47975410-G-A. GRCh37 (hg19) VCF-style: chr12-48369193-G-A.
Other names: c.3586C>T, p.Gln1196Ter (NM_033150.3); short protein forms Q1196*, Q1265*.
Identifiers: ClinVar variation 1356483 (VCV001356483.6), dbSNP rs2136511304, ClinGen allele CA384536679.
Genomic context (GRCh38, chr12:47,975,410, plus strand): 5'-CTCTGCAGGTGCGAGCAGGGTTCTTGCGGGAGCCCTCGGGGCTGCGGATGCTCTCAATCT[G>A]GTTGTTGAGGGACTTGAGTGTGGCATCCACCTCGGCGTCATGCTGTCTCAGGCCACCGGC-3'